The following is an entry in ClinVar:

ClinVar aggregate classification (germline): Conflicting classifications of pathogenicity. Review status: criteria provided, conflicting classifications (1 of 4 stars). 5 submissions from 5 submitters: Uncertain significance (4); Likely benign (1). Last evaluated 2022-11-08.

Conditions:
Inborn genetic diseases. Identifiers: MedGen C0950123, MeSH D030342.
Hereditary spastic paraplegia 39 (SPG39). Also called: SPASTIC PARAPLEGIA 39, AUTOSOMAL RECESSIVE; Spastic Paraplegia Type 39 (SPG39). Identifiers: Orphanet 139480, MedGen C2677586, MONDO:0012787, OMIM 612020.
Laurence-Moon syndrome (LNMS). Also called: PNPLA6-Related Laurence-Moon Syndrome (LMS). Identifiers: Orphanet 2377, MedGen C0023138, MONDO:0009514, OMIM 245800.
Trichomegaly-retina pigmentary degeneration-dwarfism syndrome (OMCS). Also called: Eyelashes long mental retardation; Trichomegaly retina pigmentary degeneration dwarfism; OLIVER-MCFARLANE SYNDROME; Oliver-McFarlane Syndrome (OMCS). Identifiers: Orphanet 3363, MedGen C1848745, MONDO:0010152, OMIM 275400.

Allele frequency attached by ClinVar (database versions not stated): gnomAD 0.00007 and 0.00006; ESP Exome Variant Server 0.00008; TOPMed 0.00004.
gnomAD v4.1: 115 of 1,607,102 alleles (0.0072%); highest among the groups gnomAD compares: East Asian, 0.062%; 1 homozygote.

Submissions (5):

Department of Pathology and Laboratory Medicine, Sinai Health System
Classification: Uncertain significance for Trichomegaly-retina pigmentary degeneration-dwarfism syndrome; Laurence-Moon syndrome; Hereditary spastic paraplegia 39. Last evaluated: 2022-11-08. Review status: criteria provided, single submitter. Criteria: ACMG Guidelines, 2015. Collection method: research. Allele origin: germline.

Labcorp Genetics (formerly Invitae), Labcorp
Classification: Uncertain significance for Hereditary spastic paraplegia 39. Last evaluated: 2022-10-04. Review status: criteria provided, single submitter. Criteria: Invitae Variant Classification Sherloc (09022015). Collection method: clinical testing. Allele origin: germline.
Comment: This sequence change replaces valine, which is neutral and non-polar, with isoleucine, which is neutral and non-polar, at codon 371 of the PNPLA6 protein (p.Val371Ile). This variant is present in population databases (rs369465821, gnomAD 0.03%). This variant has not been reported in the literature in individuals affected with PNPLA6-related conditions. ClinVar contains an entry for this variant (Variation ID: 586350). Advanced modeling of protein sequence and biophysical properties (such as structural, functional, and spatial information, amino acid conservation, physicochemical variation, residue mobility, and thermodynamic stability) performed at Invitae indicates that this missense variant is not expected to disrupt PNPLA6 protein function. In summary, the available evidence is currently insufficient to determine the role of this variant in disease. Therefore, it has been classified as a Variant of Uncertain Significance.

Ambry Genetics
Classification: Likely benign for Inborn genetic diseases. Last evaluated: 2021-09-17. Review status: criteria provided, single submitter. Criteria: Ambry Variant Classification Scheme 2023. Collection method: clinical testing. Allele origin: germline.

Illumina Laboratory Services, Illumina
Classification: Uncertain significance for Hereditary spastic paraplegia 39. Last evaluated: 2018-01-15. Review status: criteria provided, single submitter. Criteria: ICSL Variant Classification Criteria 13 December 2019. Collection method: clinical testing. Allele origin: germline.

Athena Diagnostics
Classification: Uncertain significance. Last evaluated: 2017-11-03. Review status: criteria provided, single submitter. Criteria: Athena Diagnostics Criteria. Collection method: clinical testing. Allele origin: germline.

NM_001166114.2(PNPLA6):c.1228G>A (p.Val410Ile)

Gene: PNPLA6 (patatin like domain 6, lysophospholipase; plus strand). Cytogenetic location: 19p13.2.
Variant type: single nucleotide variant.
Coding change: c.1228G>A on transcript NM_001166114.2 (MANE Select); coding-DNA position 1228, G replaced by A.
Protein change: p.Val410Ile; replaces valine 410 with isoleucine.
Molecular consequence: missense variant.
Genome position (GRCh38, 1-based): chr19:7,542,043, G>A. VCF-style: chr19-7542043-G-A. GRCh37 (hg19) VCF-style: chr19-7606929-G-A.
Other names: c.1255G>A, p.Val419Ile (NM_001166111.2); c.1111G>A, p.Val371Ile (NM_001166112.2, NM_001166113.1, NM_006702.5); short protein forms V371I, V419I, V410I.
Identifiers: ClinVar variation 586350 (VCV000586350.12), dbSNP rs369465821, ClinGen allele CA9139720.